The following is an entry in ClinVar:

NM_004370.6(COL12A1):c.224G>A (p.Ser75Asn)

Gene: COL12A1 (collagen type XII alpha 1 chain; minus strand). Cytogenetic location: 6q13.
Variant type: single nucleotide variant.
Coding change: c.224G>A on transcript NM_004370.6 (MANE Select); coding-DNA position 224, G replaced by A.
Protein change: p.Ser75Asn; replaces serine 75 with asparagine.
Molecular consequence: missense variant. On other transcripts: intron variant (1).
Genome position (GRCh38, 1-based): chr6:75,192,322, C>T on the plus strand (G>A on the coding strand, the complement: COL12A1 is on the minus strand). VCF-style: chr6-75192322-C-T. GRCh37 (hg19) VCF-style: chr6-75902038-C-T.
Other names: c.73+10398G>A (NM_080645.3); short protein forms S75N.
Identifiers: ClinVar variation 942944 (VCV000942944.10), dbSNP rs1198986280, ClinGen allele CA364731161.

ClinVar aggregate classification (germline): Uncertain significance (1 of 4 stars; one submission).

Conditions:
Ullrich congenital muscular dystrophy 2 (UCMD2). Identifiers: Orphanet 75840, MedGen C4225314, MONDO:0014654, OMIM 616470.
Bethlem myopathy 2 (BTHLM2). Identifiers: Orphanet 536516, Orphanet 610, MedGen C4225313, MONDO:0034022, OMIM 616471.

Allele frequency attached by ClinVar (database versions not stated): TOPMed below 0.00001; gnomAD 0.00001.
gnomAD v4.1: 3 of 1,611,476 alleles (0.00019%); highest among the groups gnomAD compares: Non-Finnish European, 0.00025%; no homozygotes.

Submission:

Labcorp Genetics (formerly Invitae), Labcorp
Classification: Uncertain significance for Bethlem myopathy 2; Ullrich congenital muscular dystrophy 2. Last evaluated: 2019-10-24. Review status: criteria provided, single submitter. Criteria: Invitae Variant Classification Sherloc (09022015). Collection method: clinical testing. Allele origin: germline.
Comment: This sequence change replaces serine with asparagine at codon 75 of the COL12A1 protein (p.Ser75Asn). The serine residue is moderately conserved and there is a small physicochemical difference between serine and asparagine. In summary, the available evidence is currently insufficient to determine the role of this variant in disease. Therefore, it has been classified as a Variant of Uncertain Significance. Algorithms developed to predict the effect of missense changes on protein structure and function are either unavailable or do not agree on the potential impact of this missense change (SIFT: "Deleterious"; PolyPhen-2: "Benign"; Align-GVGD: "Class C0"). This variant has not been reported in the literature in individuals with COL12A1-related conditions. This variant is not present in population databases (ExAC no frequency).